The following is an entry in ClinVar:

NM_001278116.2(L1CAM):c.2974C>T (p.Gln992Ter)

Gene: L1CAM (L1 cell adhesion molecule; minus strand). Cytogenetic location: Xq28.
Variant type: single nucleotide variant.
Coding change: c.2974C>T on transcript NM_001278116.2 (MANE Select); coding-DNA position 2974, C replaced by T.
Protein change: p.Gln992Ter; replaces glutamine 992 with a stop codon.
Molecular consequence: nonsense.
Genome position (GRCh38, 1-based): chrX:153,864,893, G>A on the plus strand (C>T on the coding strand, the complement: L1CAM is on the minus strand). VCF-style: chrX-153864893-G-A. GRCh37 (hg19) VCF-style: chrX-153130348-G-A.
Other names: L1CAM, GLN974TER; Q974*; c.2974C>T, p.Gln992Ter (NM_000425.5, NM_024003.3); c.2959C>T, p.Gln987Ter (NM_001143963.2); short protein forms Q992*, Q987*.
Identifiers: ClinVar variation 10000 (VCV000010000.2), dbSNP rs879253717, ClinGen allele CA10575514.

ClinVar aggregate classification (germline): Pathogenic. Review status: criteria provided, single submitter (1 of 4 stars). 2 submissions from 2 submitters: Pathogenic (1). 1 of the submissions does not count toward it. Last evaluated 2017-01-05.

Conditions:
Hydrocephalus, X-linked, with congenital idiopathic intestinal pseudoobstruction. Identifiers: MedGen C1844006.

Submissions (2):

GeneDx
Classification: Pathogenic. Last evaluated: 2017-01-05. Review status: criteria provided, single submitter. Criteria: GeneDx Variant Classification (06012015). Collection method: clinical testing. Allele origin: germline. Affected: yes.
Comment: The Q992X nonsense variant in the L1CAM gene has been reported previously in a patient with X-linked hydrocephalus (Okamoto et al., 2004). Of note, that patient also had Hirschsprung disease, which has been reported in the literature in several other patients with X-linked hydrocephalus and L1CAM variants (Parisi et al., 2002). The Q992X variant was not observed in approximately 6500 individuals of European and African American ancestry in the NHLBI Exome Sequencing Project, indicating it is not a common benign variant in these populations. This variant is predicted to cause loss of normal protein function either through premature protein truncation or nonsense-mediated mRNA decay.

OMIM
Classification: Pathogenic for HYDROCEPHALUS, X-LINKED, WITH CONGENITAL IDIOPATHIC INTESTINAL PSEUDOOBSTRUCTION. Last evaluated: 2004-09-15. Review status: no assertion criteria provided. Collection method: literature only. Allele origin: germline. Not counted in ClinVar's aggregate classification.

Literature cited by the submitters: PubMed 15368500 (cited by OMIM); PubMed 12650797 (cited by OMIM).